The following is an entry in ClinVar:

NM_007294.4(BRCA1):c.205A>T (p.Thr69Ser)

Gene: BRCA1 (BRCA1 DNA repair associated; minus strand). Cytogenetic location: 17q21.31.
Variant type: single nucleotide variant.
Coding change: c.205A>T on transcript NM_007294.4 (MANE Select); coding-DNA position 205, A replaced by T.
Protein change: p.Thr69Ser; replaces threonine 69 with serine.
Molecular consequence: missense variant.
Genome position (GRCh38, 1-based): chr17:43,106,463, T>A on the plus strand (A>T on the coding strand, the complement: BRCA1 is on the minus strand). VCF-style: chr17-43106463-T-A. GRCh37 (hg19) VCF-style: chr17-41258480-T-A.
Other names: c.205A>T, p.Thr69Ser (NM_001407581.1, NM_001407582.1, NM_001407583.1 and 168 more transcripts); c.64A>T, p.Thr22Ser (NM_001407692.1, NM_001407694.1, NM_001407695.1 and 99 more transcripts); short protein forms T22S, T69S.
Identifiers: ClinVar variation 868281 (VCV000868281.3), dbSNP rs2054771433, ClinGen allele CA10601757.
Genomic context (GRCh38, chr17:43,106,463, plus strand): 5'-ACTTTTTCCTACTGTGGTTGCTTCCAACCTAGCATCATTACCAAATTATATACCTTTTGG[T>A]TATATCATTCTTACATAAAGGACACTGTGAAGGCCCTTTCTTCTGGTTGAGAAGTTTCAG-3'
Protein context (NP_009225.1, residues 59-79): SQCPLCKNDI[Thr69Ser]KRSLQESTRF

Conditions:
Breast-ovarian cancer, familial, susceptibility to, 1 (BROVCA1). Also called: BRCA1 Hereditary Breast and Ovarian Cancer; OVARIAN CANCER, SUSCEPTIBILITY TO. Identifiers: Orphanet 145, MedGen C2676676, MONDO:0011450, OMIM 604370. Disease mechanism: loss of function.

Submission:

Brotman Baty Institute, University of Washington
No classification provided (evidence only). Condition: Breast-ovarian cancer, familial 1. Review status: no classification provided. Collection method: in vitro. Allele origin: not applicable. Functional consequence: functionally_normal.
ClinVar note: "not provided" was previously submitted as the classification for the variant. However, the classification appeared to be based only on an observation of functional data so it was converted to no classification on 2025-07-30.